The following is an entry in ClinVar:

NM_021155.4(CD209):c.1143A>G (p.Ala381=)

Gene: CD209 (CD209 molecule; minus strand). Cytogenetic location: 19p13.2.
Variant type: single nucleotide variant.
Coding change: c.1143A>G on transcript NM_021155.4 (MANE Select); coding-DNA position 1143, A replaced by G.
Protein change: p.Ala381=; no amino-acid change (alanine 381 retained).
Molecular consequence: synonymous variant. On other transcripts: non-coding transcript variant (1).
Genome position (GRCh38, 1-based): chr19:7,743,111, T>C on the plus strand (A>G on the coding strand, the complement: CD209 is on the minus strand). VCF-style: chr19-7743111-T-C. GRCh37 (hg19) VCF-style: chr19-7807997-T-C.
Other names: c.735A>G, p.Ala245= (NM_001144893.2); c.1011A>G, p.Ala337= (NM_001144894.2); c.867A>G, p.Ala289= (NM_001144895.2); c.1071A>G, p.Ala357= (NM_001144896.2); c.1125A>G, p.Ala375= (NM_001144897.2); c.660A>G, p.Ala220= (NM_001144899.2).
Identifiers: ClinVar variation 4682012 (VCV004682012.5).

ClinVar aggregate classification (germline): Likely benign (1 of 4 stars; one submission).

Submission:

CeGaT Center for Human Genetics Tuebingen
Classification: Likely benign. Last evaluated: 2025-12-01. Review status: criteria provided, single submitter. Criteria: CeGaT Center For Human Genetics Tuebingen Variant Classification Criteria Version 2. Collection method: clinical testing. Allele origin: germline. Affected: yes. Observed: 1 variant allele.
Comment: CD209: PM2:Supporting, BP4, BP7